The following is an entry in ClinVar:

NM_152383.5(DIS3L2):c.2497-122C>T

Gene: DIS3L2 (DIS3 like 3'-5' exoribonuclease 2; plus strand). Cytogenetic location: 2q37.1.
Variant type: single nucleotide variant.
Coding change: c.2497-122C>T on transcript NM_152383.5 (MANE Select); 122 bases into the intron before coding-DNA position 2497, C replaced by T.
Molecular consequence: intron variant. On other transcripts: non-coding transcript variant (1).
Genome position (GRCh38, 1-based): chr2:232,336,347, C>T. VCF-style: chr2-232336347-C-T. GRCh37 (hg19) VCF-style: chr2-233201057-C-T.
Other names: c.1582-6998C>T (NM_001257281.2).
Identifiers: ClinVar variation 2200642 (VCV002200642.4), dbSNP rs925660768, ClinGen allele CA66932239.

ClinVar aggregate classification (germline): Uncertain significance (1 of 4 stars; one submission).

Conditions:
Perlman syndrome (PRLMNS). Identifiers: Orphanet 2849, MedGen C0796113, MONDO:0009965, OMIM 267000.

Allele frequency attached by ClinVar (database versions not stated): TOPMed below 0.00001.
gnomAD v4.1: 8 of 1,547,798 alleles (0.00052%); highest among the groups gnomAD compares: Non-Finnish European, 0.0007%; no homozygotes.

Submission:

Labcorp Genetics (formerly Invitae), Labcorp
Classification: Uncertain significance for Perlman syndrome. Last evaluated: 2022-01-04. Review status: criteria provided, single submitter. Criteria: Invitae Variant Classification Sherloc (09022015). Collection method: clinical testing. Allele origin: germline.
Comment: This sequence change falls in intron 20 of the DIS3L2 gene. It does not directly change the encoded amino acid sequence of the DIS3L2 protein. RNA analysis indicates that this variant induces altered splicing and likely disrupts the C-terminus of the protein. Studies have shown that this variant results in activation of a cryptic splice site in intron 20 and introduces a new termination codon (Invitae). However the mRNA is not expected to undergo nonsense-mediated decay. This variant has not been reported in the literature in individuals affected with DIS3L2-related conditions. This variant is not present in population databases (gnomAD no frequency). In summary, the available evidence is currently insufficient to determine the role of this variant in disease. Therefore, it has been classified as a Variant of Uncertain Significance.